The following is an entry in ClinVar:

NM_001377229.1(DISP1):c.2153G>A (p.Arg718His)

Gene: DISP1 (dispatched RND transporter family member 1; plus strand). Cytogenetic location: 1q41.
Variant type: single nucleotide variant.
Coding change: c.2153G>A on transcript NM_001377229.1 (MANE Select); coding-DNA position 2153, G replaced by A.
Protein change: p.Arg718His; replaces arginine 718 with histidine.
Molecular consequence: missense variant.
Genome position (GRCh38, 1-based): chr1:223,003,550, G>A. VCF-style: chr1-223003550-G-A. GRCh37 (hg19) VCF-style: chr1-223176892-G-A.
Other names: c.1424G>A, p.Arg475His (NM_001350630.2); c.2153G>A, p.Arg718His (NM_001369594.1, NM_001377228.1, NM_032890.5); short protein forms R475H, R718H.
Identifiers: ClinVar variation 2516005 (VCV002516005.5), dbSNP rs201743091, ClinGen allele CA1409196.

ClinVar aggregate classification (germline): Uncertain significance. Review status: criteria provided, multiple submitters, no conflicts (2 of 4 stars). 2 submissions from 2 submitters: Uncertain significance (2). Last evaluated 2025-03-29.

Allele frequency attached by ClinVar (database versions not stated): TOPMed 0.00003; ExAC 0.00005; 1000 Genomes Project 0.00020; gnomAD 0.00005; 1000 Genomes Project 30x 0.00016.
gnomAD v4.1: 81 of 1,614,102 alleles (0.005%); highest among the groups gnomAD compares: Non-Finnish European, 0.0059%; no homozygotes.

Submissions (2):

Labcorp Genetics (formerly Invitae), Labcorp
Classification: Uncertain significance. Last evaluated: 2025-03-29. Review status: criteria provided, single submitter. Criteria: Invitae Variant Classification Sherloc (09022015). Collection method: clinical testing. Allele origin: germline.
Comment: This sequence change replaces arginine, which is basic and polar, with histidine, which is basic and polar, at codon 718 of the DISP1 protein (p.Arg718His). This variant is present in population databases (rs201743091, gnomAD 0.008%). This variant has not been reported in the literature in individuals affected with DISP1-related conditions. ClinVar contains an entry for this variant (Variation ID: 2516005). An algorithm developed to predict the effect of missense changes on protein structure and function (PolyPhen-2) suggests that this variant is likely to be disruptive. In summary, the available evidence is currently insufficient to determine the role of this variant in disease. Therefore, it has been classified as a Variant of Uncertain Significance.

Ambry Genetics
Classification: Uncertain significance. Last evaluated: 2023-05-15. Review status: criteria provided, single submitter. Criteria: Ambry Variant Classification Scheme 2023. Collection method: clinical testing. Allele origin: germline.